The following is an entry in ClinVar:

NM_032383.5(HPS3):c.2527G>A (p.Val843Ile)

Genes: CP (ceruloplasmin; minus strand), HPS3 (HPS3 biogenesis of lysosomal organelles complex 2 subunit 1; plus strand). Cytogenetic location: 3q24.
Variant type: single nucleotide variant.
Coding change: c.2527G>A on transcript NM_032383.5 (MANE Select); coding-DNA position 2527, G replaced by A.
Protein change: p.Val843Ile; replaces valine 843 with isoleucine.
Molecular consequence: missense variant.
Genome position (GRCh38, 1-based): chr3:149,163,887, G>A. VCF-style: chr3-149163887-G-A. GRCh37 (hg19) VCF-style: chr3-148881674-G-A.
Other names: c.2032G>A, p.Val678Ile (NM_001308258.2); short protein forms V678I, V843I.
Identifiers: ClinVar variation 756752 (VCV000756752.15), dbSNP rs150765088, ClinGen allele CA2660386.

ClinVar aggregate classification (germline): Benign. Review status: criteria provided, multiple submitters, no conflicts (2 of 4 stars). 3 submissions from 3 submitters: Benign (2). 1 of the submissions does not count toward it. Last evaluated 2026-02-02.

Conditions:
Hermansky-Pudlak syndrome (HPS). Also called: ALBINISM WITH HEMORRHAGIC DIATHESIS AND PIGMENTED RETICULOENDOTHELIAL CELLS. Identifiers: Orphanet 79430, MedGen C0079504, MONDO:0019312.
Hermansky-Pudlak syndrome 3 (HPS3). Identifiers: Orphanet 231512, Orphanet 79430, MedGen C3888001, MONDO:0013555, OMIM 614072.

Allele frequency attached by ClinVar (database versions not stated): gnomAD 0.00002 and 0.00036; TOPMed 0.00006; ESP Exome Variant Server 0.00008; gnomAD exomes 0.00133; ExAC 0.00168; 1000 Genomes Project 0.00319; 1000 Genomes Project 30x 0.00390.
gnomAD v4.1: 986 of 1,586,202 alleles (0.062%); highest among the groups gnomAD compares: South Asian, 1%; 17 homozygotes.

Submissions (3):

Labcorp Genetics (formerly Invitae), Labcorp
Classification: Benign. Last evaluated: 2026-02-02. Review status: criteria provided, single submitter. Criteria: Invitae Variant Classification Sherloc (09022015). Collection method: clinical testing. Allele origin: germline.

Illumina Laboratory Services, Illumina
Classification: Benign for Hermansky-Pudlak syndrome 3. Last evaluated: 2018-01-12. Review status: criteria provided, single submitter. Criteria: ICSL Variant Classification Criteria 13 December 2019. Collection method: clinical testing. Allele origin: germline.
Comment: This variant was observed in the ICSL laboratory as part of a predisposition screen in an ostensibly healthy population. It had not been previously curated by ICSL or reported in the Human Gene Mutation Database (HGMD: prior to June 1st, 2018), and was therefore a candidate for classification through an automated scoring system. Utilizing variant allele frequency, disease prevalence and penetrance estimates, and inheritance mode, an automated score was calculated to assess if this variant is too frequent to cause the disease. Based on the score and internal cut-off values, a variant classified as benign is not then subjected to further curation. The score for this variant resulted in a classification of benign for this disease.

Natera, Inc.
Classification: Benign for Hermansky-Pudlak syndrome. Last evaluated: 2020-09-16. Review status: no assertion criteria provided. Collection method: clinical testing. Allele origin: germline. Not counted in ClinVar's aggregate classification.